The following is an entry in ClinVar:

NM_001308093.3(GATA4):c.125C>T (p.Pro42Leu)

Gene: GATA4 (GATA binding protein 4). Cytogenetic location: 8p23.1.
Variant type: single nucleotide variant.
Coding change: c.125C>T on transcript NM_001308093.3 (MANE Select); coding-DNA position 125, C replaced by T.
Protein change: p.Pro42Leu; replaces proline 42 with leucine.
Molecular consequence: missense variant. On other transcripts: intron variant (3).
Genome position (GRCh38, 1-based): chr8:11,708,437, C>T. VCF-style: chr8-11708437-C-T. GRCh37 (hg19) VCF-style: chr8-11565946-C-T.
Other names: c.125C>T, p.Pro42Leu (NM_002052.5); c.-6+7659C>T (NM_001308094.2); c.-3+423C>T (NM_001374274.1); c.-3+4133C>T (NM_001374273.1); c.125C>T (NM_002052.3); short protein forms P42L.
Identifiers: ClinVar variation 2818464 (VCV002818464.4), dbSNP rs766590532, ClinGen allele CA370308936.

ClinVar aggregate classification (germline): Uncertain significance. Review status: criteria provided, multiple submitters, no conflicts (2 of 4 stars). 2 submissions from 2 submitters: Uncertain significance (2). Last evaluated 2025-11-03.

Conditions:
Cardiovascular phenotype. Identifiers: MedGen CN230736.
Atrioventricular septal defect 4 (AVSD4). Identifiers: MedGen C3280781, MONDO:0013747, OMIM 614430.

Submissions (2):

Ambry Genetics
Classification: Uncertain significance for Cardiovascular phenotype. Last evaluated: 2025-11-03. Review status: criteria provided, single submitter. Criteria: Ambry Variant Classification Scheme 2023. Collection method: clinical testing. Allele origin: germline.

Labcorp Genetics (formerly Invitae), Labcorp
Classification: Uncertain significance for Atrioventricular septal defect 4. Last evaluated: 2022-12-04. Review status: criteria provided, single submitter. Criteria: Invitae Variant Classification Sherloc (09022015). Collection method: clinical testing. Allele origin: germline.
Comment: This sequence change replaces proline, which is neutral and non-polar, with leucine, which is neutral and non-polar, at codon 42 of the GATA4 protein (p.Pro42Leu). This variant is not present in population databases (gnomAD no frequency). This variant has not been reported in the literature in individuals affected with GATA4-related conditions. Algorithms developed to predict the effect of missense changes on protein structure and function (SIFT, PolyPhen-2, Align-GVGD) all suggest that this variant is likely to be tolerated. In summary, the available evidence is currently insufficient to determine the role of this variant in disease. Therefore, it has been classified as a Variant of Uncertain Significance.